The following is an entry in ClinVar:

NM_000195.5(HPS1):c.2083_2091del (p.Ser695_Ile697del)

Gene: HPS1 (HPS1 biogenesis of lysosomal organelles complex 3 subunit 1; minus strand). Cytogenetic location: 10q24.2.
Variant type: Deletion.
Coding change: c.2083_2091del on transcript NM_000195.5 (MANE Select); coding-DNA positions 2083 to 2091, 9 bases deleted (TCCCGTATC; older notation c.2083_2091delTCCCGTATC).
Protein change: p.Ser695_Ile697del.
Molecular consequence: inframe deletion.
Genome position (GRCh38, 1-based): chr10:98,417,576-98,417,584, GATACGGGA deleted on the plus strand (TCCCGTATC on the coding strand, the reverse complement: HPS1 is on the minus strand); deleting any 9 consecutive bases within chr10:98,417,576-98,417,585 gives the same sequence; the c. name uses the placement nearest the transcript's 3' end. VCF-style (leftmost placement, unchanged base first): chr10-98417575-GGATACGGGA-G. GRCh37 (hg19) VCF-style: chr10-100177332-GGATACGGGA-G.
Other names: c.1111_1119del, p.Ser371_Ile373del (NM_001311345.2, NM_001322487.2, NM_001322489.2); c.2083_2091del, p.Ser695_Ile697del (NM_001322476.2, NM_001322477.2); c.1984_1992del, p.Ser662_Ile664del (NM_001322478.2, NM_001322479.2); c.1822_1830del, p.Ser608_Ile610del (NM_001322480.2, NM_001322481.2); c.1723_1731del, p.Ser575_Ile577del (NM_001322482.2); c.1714_1722del, p.Ser572_Ile574del (NM_001322483.2, NM_001322484.2); c.1615_1623del, p.Ser539_Ile541del (NM_001322485.2).
Identifiers: ClinVar variation 1914350 (VCV001914350.2), dbSNP rs2538721080, ClinGen allele CA2574642112.

ClinVar aggregate classification (germline): Uncertain significance (1 of 4 stars; one submission).

Submission:

Labcorp Genetics (formerly Invitae), Labcorp
Classification: Uncertain significance. Last evaluated: 2022-10-13. Review status: criteria provided, single submitter. Criteria: Invitae Variant Classification Sherloc (09022015). Collection method: clinical testing. Allele origin: germline.
Comment: This variant, c.2083_2091del, results in the deletion of 3 amino acid(s) of the HPS1 protein (p.Ser695_Ile697del), but otherwise preserves the integrity of the reading frame. This variant is not present in population databases (gnomAD no frequency). This variant has not been reported in the literature in individuals affected with HPS1-related conditions. Experimental studies and prediction algorithms are not available or were not evaluated, and the functional significance of this variant is currently unknown. In summary, the available evidence is currently insufficient to determine the role of this variant in disease. Therefore, it has been classified as a Variant of Uncertain Significance.